The following is an entry in ClinVar:

ClinVar aggregate classification (germline): Uncertain significance (1 of 4 stars; one submission).

Conditions:
Charcot-Marie-Tooth disease type 4. Also called: Charcot-Marie-Tooth, Type 4; Charcot-Marie-Tooth disease, type IV. Identifiers: Orphanet 64749, MedGen C4082197, MONDO:0018995.

Allele frequency attached by ClinVar (database versions not stated): gnomAD exomes below 0.00001.
gnomAD v4.1: 2 of 1,614,232 alleles (0.00012%); highest among the groups gnomAD compares: South Asian, 0.0011%; no homozygotes.

Submission:

Labcorp Genetics (formerly Invitae), Labcorp
Classification: Uncertain significance for Charcot-Marie-Tooth disease type 4. Last evaluated: 2021-07-31. Review status: criteria provided, single submitter. Criteria: Invitae Variant Classification Sherloc (09022015). Collection method: clinical testing. Allele origin: germline.
Comment: In summary, the available evidence is currently insufficient to determine the role of this variant in disease. Therefore, it has been classified as a Variant of Uncertain Significance. Algorithms developed to predict the effect of missense changes on protein structure and function do not agree on the potential impact of this missense change (SIFT: "Tolerated"; PolyPhen-2: "Possibly Damaging"; Align-GVGD: "Class C0"). This variant has not been reported in the literature in individuals with SBF2-related disease. ClinVar contains an entry for this variant (Variation ID: 476937). This variant is not present in population databases (ExAC no frequency). This sequence change replaces alanine with valine at codon 1792 of the SBF2 protein (p.Ala1792Val). The alanine residue is highly conserved and there is a small physicochemical difference between alanine and valine.

NM_030962.4(SBF2):c.5375C>T (p.Ala1792Val)

Genes: SBF2 (SET binding factor 2; minus strand), SBF2-AS1 (SBF2 antisense RNA 1; plus strand), LOC105369149 (uncharacterized LOC105369149; plus strand). Cytogenetic location: 11p15.4.
Variant type: single nucleotide variant.
Coding change: c.5375C>T on transcript NM_030962.4 (MANE Select); coding-DNA position 5375, C replaced by T.
Protein change: p.Ala1792Val; replaces alanine 1792 with valine.
Molecular consequence: missense variant.
Genome position (GRCh38, 1-based): chr11:9,781,583, G>A on the plus strand (C>T on the coding strand, the complement: SBF2 is on the minus strand). VCF-style: chr11-9781583-G-A. GRCh37 (hg19) VCF-style: chr11-9803130-G-A.
Other names: c.5471C>T, p.Ala1824Val (NM_001386339.1); c.5246C>T, p.Ala1749Val (NM_001386342.1); short protein forms A1792V, A1749V, A1824V.
Identifiers: ClinVar variation 476937 (VCV000476937.11), dbSNP rs1554897834, ClinGen allele CA379630393.